The following is an entry in ClinVar:

ClinVar aggregate classification (germline): Likely pathogenic. Review status: reviewed by expert panel (3 of 4 stars). 4 submissions from 4 submitters: Likely pathogenic (1). 3 of the submissions do not count toward it. Last evaluated 2025-10-28.

Conditions:
DICER1-related tumor predisposition. Also called: DICER1-related pleuropulmonary blastoma cancer predisposition syndrome; DICER1 syndrome. Identifiers: Orphanet 284343, MedGen C3839822, MONDO:0100216.
Global developmental delay - lung cysts - overgrowth - Wilms tumor syndrome. Also called: GLOBAL DEVELOPMENTAL DELAY, LUNG CYSTS, OVERGROWTH, AND WILMS TUMOR; GLOW Syndrome. Identifiers: Orphanet 404476, MedGen C4748924, MONDO:0018445, OMIM 618272.

Allele frequency attached by ClinVar (database versions not stated): gnomAD exomes below 0.00001; TOPMed below 0.00001.
gnomAD v4.1: 1 of 1,613,960 alleles (0.000062%); highest among the groups gnomAD compares: Non-Finnish European, 0.000085%; no homozygotes.

Submissions (4):

ClinGen DICER1 and miRNA-Processing Gene Variant Curation Expert Panel, ClinGen
Classification: Likely pathogenic for DICER1-related tumor predisposition. Last evaluated: 2025-10-28. Review status: reviewed by expert panel. Criteria: ClinGen DICER1 ACMG Specifications DICER1 V1.4.0. Collection method: curation. Allele origin: germline. Inheritance: Autosomal dominant inheritance.
Comment: The NM_177438.2:c.1509+16A>G variant in DICER1 is an intronic variant located 16 base pairs downstream of exon 9. This variant received a total of 3.5 phenotype points across 4 probands meeting DICER1 VCEP phenotype specificity scoring criteria of 2-3.5 points (PS4_Moderate, PMID:37883719, Internal lab contributors). At least one patient with this variant was found to have a somatic second hit in a recognized DICER1 hotspot codon on tumor sequencing, which is highly specific for DICER1-related tumor predisposition (PP4, PMID:37883719, Internal lab contributors). This variant is absent from gnomAD v4.1.0 (PM2_Supporting). Sequencing of RNA from patients showed an in-frame splicing impact resulting in a premature stop codon and NMD, indicating that this variant impacts protein function; however, this evidence was conservatively downgraded due to lower than typical percent spliced in (PSI) values (PS3_Supporting; PMID:37883719, Invitae, UT Southwestern). The splice site predictors MaxEntScan and SpliceAI indicate that the variant impacts splicing, evidence that correlates with impact to DICER1 function (PP3). In summary, this variant meets the criteria to be classified as Likely Pathogenic for DICER1-related tumor predisposition based on the ACMG/AMP criteria applied, as specified by the ClinGen DICER1 VCEP: PM2_Supporting, PS4_Moderate, PP4, PS3_Supporting, PP3. (Bayesian Points: 6; VCEP specifications version 1.4.0; 10/28/2025).

Labcorp Genetics (formerly Invitae), Labcorp
Classification: Pathogenic for DICER1-related tumor predisposition. Last evaluated: 2025-10-27. Review status: criteria provided, single submitter. Criteria: Invitae Variant Classification Sherloc (09022015). Collection method: clinical testing. Allele origin: germline. Not counted in ClinVar's aggregate classification.
Comment: This sequence change falls in intron 9 of the DICER1 gene. It does not directly change the encoded amino acid sequence of the DICER1 protein. RNA analysis indicates that this variant induces altered splicing and may result in an absent or altered protein product. This variant is not present in population databases (gnomAD no frequency). This variant has been observed in individual(s) with clinical features of DICER1-related tumor syndrome (external communications, internal data). ClinVar contains an entry for this variant (Variation ID: 690461). Studies have shown that this variant results in activation of a cryptic splice splice, and produces a non-functional protein and/or introduces a premature termination codon (external communication, internal data). For these reasons, this variant has been classified as Pathogenic.

Baylor Genetics
Classification: Likely pathogenic for Global developmental delay - lung cysts - overgrowth - Wilms tumor syndrome. Last evaluated: 2023-09-11. Review status: criteria provided, single submitter. Criteria: ACMG Guidelines, 2015. Collection method: clinical testing. Allele origin: unknown. Not counted in ClinVar's aggregate classification.

PreventionGenetics, part of Exact Sciences
Classification: Uncertain significance. Last evaluated: 2017-08-03. Review status: criteria provided, single submitter. Criteria: ACMG Guidelines, 2015. Collection method: clinical testing. Allele origin: germline. Not counted in ClinVar's aggregate classification.

NM_177438.3(DICER1):c.1509+16A>G

Gene: DICER1 (dicer 1, ribonuclease III; minus strand). Cytogenetic location: 14q32.13.
Variant type: single nucleotide variant.
Coding change: c.1509+16A>G on transcript NM_177438.3 (MANE Select); 16 bases into the intron after coding-DNA position 1509, A replaced by G.
Molecular consequence: intron variant.
Genome position (GRCh38, 1-based): chr14:95,117,606, T>C on the plus strand (A>G on the coding strand, the complement: DICER1 is on the minus strand). VCF-style: chr14-95117606-T-C. GRCh37 (hg19) VCF-style: chr14-95583943-T-C.
Other names: c.1509+16A>G (NM_001291628.2, NM_030621.4, NM_001271282.3 and 1 more transcripts).
Identifiers: ClinVar variation 690461 (VCV000690461.9), dbSNP rs201947254, ClinGen allele CA658655578.
Genomic context (GRCh38, chr14:95,117,606, plus strand): 5'-AAGGGAGACCCTATGGGCACTTTGTCTGTATATGTCCCGAAAACTGTTATTGTACACTTA[T>C]TTTGATTTAAGTTACCTCTTCCTGTTTTCTGAATTCTGCTTCCATCTGTTTGTTGCGAGG-3'